The following is an entry in ClinVar:

NM_014669.5(NUP93):c.490-3C>T

Gene: NUP93 (nucleoporin 93; plus strand). Cytogenetic location: 16q13.
Variant type: single nucleotide variant.
Coding change: c.490-3C>T on transcript NM_014669.5 (MANE Select); 3 bases into the intron before coding-DNA position 490, C replaced by T.
Molecular consequence: intron variant.
Genome position (GRCh38, 1-based): chr16:56,818,661, C>T. VCF-style: chr16-56818661-C-T. GRCh37 (hg19) VCF-style: chr16-56852573-C-T.
Other names: c.121-3C>T (NM_001242795.2, NM_001242796.2).
Identifiers: ClinVar variation 3036740 (VCV003036740.2), dbSNP rs755422278, ClinGen allele CA8068115.
Genomic context (GRCh38, chr16:56,818,661, plus strand): 5'-TTTGATTTCTTCACATGACTGAATACTGTCCCTAACTGATTCTGAATGTGTATTTATCCA[C>T]AGCCAAGCTACATCAGTGATGTGGGACCCCCTGGTCGAAGCTCTCTGGATAACATCGAGA-3'

ClinVar aggregate classification (germline): Likely benign (0 of 4 stars; one submission).

Conditions:
NUP93-related disorder. Also called: NUP93-related condition.

Allele frequency attached by ClinVar (database versions not stated): ExAC 0.00001; TOPMed 0.00001; gnomAD exomes 0.00002; gnomAD 0.00003.
gnomAD v4.1: 39 of 1,613,324 alleles (0.0024%); highest among the groups gnomAD compares: Non-Finnish European, 0.0031%; no homozygotes.

Submission:

PreventionGenetics, part of Exact Sciences
Classification: Likely benign for NUP93-related condition. Last evaluated: 2020-07-01. Review status: no assertion criteria provided. Collection method: clinical testing. Allele origin: germline.
Comment: This variant is classified as likely benign based on ACMG/AMP sequence variant interpretation guidelines (Richards et al. 2015 PMID: 25741868, with internal and published modifications).